The following is an entry in ClinVar:

NM_014979.4(SV2C):c.995C>T (p.Ser332Phe)

Gene: SV2C (synaptic vesicle glycoprotein 2C; plus strand). Cytogenetic location: 5q13.3.
Variant type: single nucleotide variant.
Coding change: c.995C>T on transcript NM_014979.4 (MANE Select); coding-DNA position 995, C replaced by T.
Protein change: p.Ser332Phe; replaces serine 332 with phenylalanine.
Molecular consequence: missense variant.
Genome position (GRCh38, 1-based): chr5:76,285,243, C>T. VCF-style: chr5-76285243-C-T. GRCh37 (hg19) VCF-style: chr5-75581068-C-T.
Other names: c.995C>T, p.Ser332Phe (NM_001297716.2); short protein forms S332F.
Identifiers: ClinVar variation 2655546 (VCV002655546.24), dbSNP rs149463986, ClinGen allele CA3311125.

ClinVar aggregate classification (germline): Likely benign (1 of 4 stars; one submission).

Allele frequency attached by ClinVar (database versions not stated): 1000 Genomes Project 30x 0.00203; 1000 Genomes Project 0.00220; gnomAD 0.00419; TOPMed 0.00428; ExAC 0.00464; ESP Exome Variant Server 0.00525; gnomAD exomes 0.00595.
gnomAD v4.1: 9,251 of 1,614,184 alleles (0.57%); highest among the groups gnomAD compares: Middle Eastern, 1.2%; 46 homozygotes.

Submission:

CeGaT Center for Human Genetics Tuebingen
Classification: Likely benign. Last evaluated: 2023-11-01. Review status: criteria provided, single submitter. Criteria: CeGaT Center For Human Genetics Tuebingen Variant Classification Criteria Version 2. Collection method: clinical testing. Allele origin: germline. Affected: yes. Observed: 2 variant alleles.
Comment: SV2C: BS2